The following is an entry in ClinVar:

ClinVar aggregate classification (germline): Uncertain significance (1 of 4 stars; one submission).

Submission:

Labcorp Genetics (formerly Invitae), Labcorp
Classification: Uncertain significance. Last evaluated: 2020-12-31. Review status: criteria provided, single submitter. Criteria: Invitae Variant Classification Sherloc (09022015). Collection method: clinical testing. Allele origin: germline.
Comment: This sequence change replaces cysteine with serine at codon 2634 of the COL7A1 protein (p.Cys2634Ser). The cysteine residue is highly conserved and there is a moderate physicochemical difference between cysteine and serine. This variant is not present in population databases (ExAC no frequency). This variant has not been reported in the literature in individuals with COL7A1-related conditions. Advanced modeling of protein sequence and biophysical properties (such as structural, functional, and spatial information, amino acid conservation, physicochemical variation, residue mobility, and thermodynamic stability) performed at Invitae indicates that this missense variant is expected to disrupt COL7A1 protein function. In summary, the available evidence is currently insufficient to determine the role of this variant in disease. Therefore, it has been classified as a Variant of Uncertain Significance.

NM_000094.4(COL7A1):c.7901G>C (p.Cys2634Ser)

Gene: COL7A1 (collagen type VII alpha 1 chain; minus strand). Cytogenetic location: 3p21.31.
Variant type: single nucleotide variant.
Coding change: c.7901G>C on transcript NM_000094.4 (MANE Select); coding-DNA position 7901, G replaced by C.
Protein change: p.Cys2634Ser; replaces cysteine 2634 with serine.
Molecular consequence: missense variant.
Genome position (GRCh38, 1-based): chr3:48,567,866, C>G on the plus strand (G>C on the coding strand, the complement: COL7A1 is on the minus strand). VCF-style: chr3-48567866-C-G. GRCh37 (hg19) VCF-style: chr3-48605299-C-G.
Other names: short protein forms C2634S.
Identifiers: ClinVar variation 1920841 (VCV001920841.2), dbSNP rs2530827439, ClinGen allele CA352641578.